The following is an entry in ClinVar:

ClinVar aggregate classification (germline): Likely benign (1 of 4 stars; one submission).

Allele frequency attached by ClinVar (database versions not stated): gnomAD 0.00030; TOPMed 0.00041; gnomAD exomes 0.00064.
gnomAD v4.1: 943 of 1,607,778 alleles (0.059%); highest among the groups gnomAD compares: Non-Finnish European, 0.078%; 5 homozygotes.

Submission:

CeGaT Center for Human Genetics Tuebingen
Classification: Likely benign. Last evaluated: 2022-05-01. Review status: criteria provided, single submitter. Criteria: CeGaT Center For Human Genetics Tuebingen Variant Classification Criteria Version 2. Collection method: clinical testing. Allele origin: germline. Affected: yes. Observed: 1 variant allele.
Comment: PCDHA8: BP4, BP7

NM_018911.3(PCDHA8):c.1020T>C (p.Ile340=)

Genes: PCDHA1 (protocadherin alpha 1; plus strand), PCDHA2 (protocadherin alpha 2; plus strand), PCDHA3 (protocadherin alpha 3; plus strand), PCDHA4 (protocadherin alpha 4; plus strand), PCDHA5 (protocadherin alpha 5; plus strand) and 4 more. Cytogenetic location: 5q31.3.
Variant type: single nucleotide variant.
Coding change: c.1020T>C on transcript NM_018911.3 (MANE Select); coding-DNA position 1020, T replaced by C.
Protein change: p.Ile340=; no amino-acid change (isoleucine 340 retained).
Molecular consequence: synonymous variant. On other transcripts: intron variant (9).
Genome position (GRCh38, 1-based): chr5:140,842,341, T>C. VCF-style: chr5-140842341-T-C. GRCh37 (hg19) VCF-style: chr5-140221926-T-C.
Other names: c.1020T>C, p.Ile340= (NM_031856.2); c.2394+53657T>C (NM_018900.4); c.1602+54449T>C (NM_031411.3); c.2388+44989T>C (NM_018905.3); c.2394+38750T>C (NM_018906.3); c.2385+32769T>C (NM_018907.4); c.2352+18214T>C (NM_018908.3); c.2394+11856T>C (NM_018909.4); and 2 more.
Identifiers: ClinVar variation 2655768 (VCV002655768.22), dbSNP rs138800056, ClinGen allele CA3449646.